The following is an entry in ClinVar:

ClinVar aggregate classification (germline): Uncertain significance (0 of 4 stars; one submission).

Conditions:
Bainbridge-Ropers syndrome. Also called: Severe feeding difficulties-failure to thrive-microcephaly due to ASXL3 deficiency syndrome. Identifiers: Orphanet 352577, MedGen C4750837, MONDO:0014205, OMIM 615485.

Submission:

Diagnostics Centre, Carl Von Ossietzky University Oldenburg
Classification: Uncertain significance for Bainbridge-Ropers syndrome. Last evaluated: 2024-07-17. Review status: no assertion criteria provided. Collection method: clinical testing. Allele origin: germline. Affected: yes. Observed: 1 variant allele.
Comment: The variant causes a change in protein length as a result of than in-frame deletion of two aminoacids at protein position 655-656. The variant has not yet been described in Clinvar. This variant is classified as very rare since it is absent in gnomAD v4.1.0. In summary, the variant is classified as variant of uncertain significance.

NM_030632.3(ASXL3):c.1963_1968del (p.Ser655_Thr656del)

Gene: ASXL3 (ASXL transcriptional regulator 3; plus strand). Cytogenetic location: 18q12.1.
Variant type: Deletion.
Coding change: c.1963_1968del on transcript NM_030632.3 (MANE Select); coding-DNA positions 1963 to 1968, 6 bases deleted (AGCACT; older notation c.1963_1968delAGCACT).
Protein change: p.Ser655_Thr656del.
Genome position (GRCh38, 1-based): chr18:33,739,367-33,739,372, AGCACT deleted; deleting any 6 consecutive bases within chr18:33,739,365-33,739,372 gives the same sequence; the c. name uses the placement nearest the transcript's 3' end. VCF-style (leftmost placement, unchanged base first): chr18-33739364-TCTAGCA-T. GRCh37 (hg19) VCF-style: chr18-31319328-TCTAGCA-T.
Identifiers: ClinVar variation 3390984 (VCV003390984.2).